The following is an entry in ClinVar:

NM_001032386.2(SUOX):c.1552C>T (p.Gln518Ter)

Gene: SUOX (sulfite oxidase; plus strand). Cytogenetic location: 12q13.2.
Variant type: single nucleotide variant.
Coding change: c.1552C>T on transcript NM_001032386.2 (MANE Select); coding-DNA position 1552, C replaced by T.
Protein change: p.Gln518Ter; replaces glutamine 518 with a stop codon.
Molecular consequence: nonsense.
Genome position (GRCh38, 1-based): chr12:56,004,941, C>T. VCF-style: chr12-56004941-C-T. GRCh37 (hg19) VCF-style: chr12-56398725-C-T.
Other names: c.1552C>T, p.Gln518Ter (NM_000456.3, NM_001032387.2); short protein forms Q518*.
Identifiers: ClinVar variation 2863413 (VCV002863413.3), dbSNP rs2540578061, ClinGen allele CA385298210.
Genomic context (GRCh38, chr12:56,004,941, plus strand): 5'-CCAGCTGGACAAAAGGAACTGAACATTGTTTGTAAGGCTGTGGATGATGGTTACAATGTG[C>T]AGCCAGACACCGTGGCCCCAATCTGGAACCTGCGAGGTGTTCTCAGCAATGCCTGGCATC-3'

ClinVar aggregate classification (germline): Pathogenic (1 of 4 stars; one submission).

Conditions:
Sulfite oxidase deficiency. Also called: Isolated sulfite oxidase deficiency. Identifiers: Orphanet 833, Orphanet 99731, MedGen C0268624, MONDO:0010089, OMIM 272300, HP:0003643.

Submission:

Labcorp Genetics (formerly Invitae), Labcorp
Classification: Pathogenic for Sulfite oxidase deficiency. Last evaluated: 2023-05-11. Review status: criteria provided, single submitter. Criteria: Invitae Variant Classification Sherloc (09022015). Collection method: clinical testing. Allele origin: germline.
Comment: For these reasons, this variant has been classified as Pathogenic. This variant disrupts a region of the SUOX protein in which other variant(s) (p.Arg529*) have been determined to be pathogenic (PMID: 17940249, 28980090). This suggests that this is a clinically significant region of the protein, and that variants that disrupt it are likely to be disease-causing. This variant has not been reported in the literature in individuals affected with SUOX-related conditions. This variant is not present in population databases (gnomAD no frequency). This sequence change creates a premature translational stop signal (p.Gln518*) in the SUOX gene. While this is not anticipated to result in nonsense mediated decay, it is expected to disrupt the last 28 amino acid(s) of the SUOX protein.

Literature cited by the submitters: PubMed 17940249; PubMed 28980090.